The following is an entry in ClinVar:

ClinVar aggregate classification (germline): Uncertain significance (1 of 4 stars; one submission).

Allele frequency attached by ClinVar (database versions not stated): gnomAD exomes below 0.00001; gnomAD 0.00001; TOPMed 0.00001.

Submission:

Labcorp Genetics (formerly Invitae), Labcorp
Classification: Uncertain significance. Last evaluated: 2022-04-29. Review status: criteria provided, single submitter. Criteria: Invitae Variant Classification Sherloc (09022015). Collection method: clinical testing. Allele origin: germline.
Comment: This sequence change replaces alanine, which is neutral and non-polar, with valine, which is neutral and non-polar, at codon 416 of the RIMS1 protein (p.Ala416Val). This variant is not present in population databases (gnomAD no frequency). This variant has not been reported in the literature in individuals affected with RIMS1-related conditions. Algorithms developed to predict the effect of missense changes on protein structure and function output the following: SIFT: "Tolerated"; PolyPhen-2: "Benign"; Align-GVGD: "Class C0". The valine amino acid residue is found in multiple mammalian species, which suggests that this missense change does not adversely affect protein function. In summary, the available evidence is currently insufficient to determine the role of this variant in disease. Therefore, it has been classified as a Variant of Uncertain Significance.

NM_014989.7(RIMS1):c.1247C>T (p.Ala416Val)

Gene: RIMS1 (regulating synaptic membrane exocytosis 1; plus strand). Cytogenetic location: 6q13.
Variant type: single nucleotide variant.
Coding change: c.1247C>T on transcript NM_014989.7 (MANE Select); coding-DNA position 1247, C replaced by T.
Protein change: p.Ala416Val; replaces alanine 416 with valine.
Molecular consequence: missense variant.
Genome position (GRCh38, 1-based): chr6:72,182,718, C>T. VCF-style: chr6-72182718-C-T. GRCh37 (hg19) VCF-style: chr6-72892421-C-T.
Other names: short protein forms A416V.
Identifiers: ClinVar variation 2131953 (VCV002131953.4), dbSNP rs1044460146, ClinGen allele CA141417527.
Genomic context (GRCh38, chr6:72,182,718, plus strand): 5'-CGCGCACCGAGGCGGGCGCGGCGCTGCCGGAGGGCAAGGCCGGCAAACGCGCGCCGGCGG[C>T]AGCCAGGGCCTCGCCGCCGGACTCGCCGCGGGCTTACTCGGCTGAGAGAACTGCGGAGAC-3'
Protein context (NP_055804.2, residues 406-426): EGKAGKRAPA[Ala416Val]ARASPPDSPR